The following is an entry in ClinVar:

ClinVar aggregate classification (germline): Uncertain significance (0 of 4 stars; one submission).

Conditions:
von Willebrand disease type 3 (VWD3). Also called: Type 3 Von Willebrand's disease; Type 3 VWD; Von Willebrand disease, severe form; V WD3; VON WILLEBRAND DISEASE, TYPE III. Identifiers: Orphanet 166096, MedGen C1264041, MONDO:0010191, OMIM 277480.

Submission:

Angelo Bianchi Bonomi Hemophilia and Thrombosis Center, Fondazione IRCCS Ca Granda Ospedale Maggiore Policlinico
Classification: Uncertain significance for von Willebrand disease type 3. Last evaluated: 2020-11-01. Review status: no assertion criteria provided. Collection method: clinical testing. Allele origin: germline. Affected: yes. Study: Type 3 Von Willebrand International Registries Inhibitor Prospective Study (3WINTERS-IPS).
Comment: ClinGen Pathogenicity Calculator

NM_000552.5(VWF):c.5429C>A (p.Ala1810Glu)

Gene: VWF (von Willebrand factor; minus strand). Cytogenetic location: 12p13.31.
Variant type: single nucleotide variant.
Coding change: c.5429C>A on transcript NM_000552.5 (MANE Select); coding-DNA position 5429, C replaced by A.
Protein change: p.Ala1810Glu; replaces alanine 1810 with glutamic acid.
Molecular consequence: missense variant.
Genome position (GRCh38, 1-based): chr12:6,016,115, G>T on the plus strand (C>A on the coding strand, the complement: VWF is on the minus strand). VCF-style: chr12-6016115-G-T. GRCh37 (hg19) VCF-style: chr12-6125281-G-T.
Other names: short protein forms A1810E.
Identifiers: ClinVar variation 1065262 (VCV001065262.3), dbSNP rs2136408307, ClinGen allele CA383494992.